The following is an entry in ClinVar:

NM_018060.4(IARS2):c.2247A>C (p.Val749=)

Gene: IARS2 (isoleucyl-tRNA synthetase 2, mitochondrial; plus strand). Cytogenetic location: 1q41.
Variant type: single nucleotide variant.
Coding change: c.2247A>C on transcript NM_018060.4 (MANE Select); coding-DNA position 2247, A replaced by C.
Protein change: p.Val749=; no amino-acid change (valine 749 retained).
Molecular consequence: synonymous variant.
Genome position (GRCh38, 1-based): chr1:220,139,079, A>C. VCF-style: chr1-220139079-A-C. GRCh37 (hg19) VCF-style: chr1-220312421-A-C.
Identifiers: ClinVar variation 3050886 (VCV003050886.4), dbSNP rs189498035, ClinGen allele CA1401719.
Genomic context (GRCh38, chr1:220,139,079, plus strand): 5'-ACTTCGCTTTCTTTTGGGAAATGTGGCTGATTTCAACCCAGAAACAGATTCCATCCCTGT[A>C]AACGATATGTATGTCATAGACCAGTACATGCTACACTTACTGCAGGATTTGGCAAACAAG-3'
Protein context (NP_060530.3, residues 739-759): DFNPETDSIP[Val749=]NDMYVIDQYM

ClinVar aggregate classification (germline): Likely benign. Review status: criteria provided, single submitter (1 of 4 stars). 2 submissions from 2 submitters: Likely benign (1). 1 of the submissions does not count toward it. Last evaluated 2025-12-20.

Conditions:
IARS2-related disorder. Also called: IARS2-related condition.

Allele frequency attached by ClinVar (database versions not stated): TOPMed 0.00002; ExAC 0.00003; gnomAD 0.00005; 1000 Genomes Project 0.00040; gnomAD exomes 0.00011; 1000 Genomes Project 30x 0.00047.
gnomAD v4.1: 163 of 1,613,190 alleles (0.01%); highest among the groups gnomAD compares: Non-Finnish European, 0.013%; no homozygotes.

Submissions (2):

Labcorp Genetics (formerly Invitae), Labcorp
Classification: Likely benign. Last evaluated: 2025-12-20. Review status: criteria provided, single submitter. Criteria: Invitae Variant Classification Sherloc (09022015). Collection method: clinical testing. Allele origin: germline.

PreventionGenetics, part of Exact Sciences
Classification: Likely benign for IARS2-related condition. Last evaluated: 2020-02-14. Review status: no assertion criteria provided. Collection method: clinical testing. Allele origin: germline. Not counted in ClinVar's aggregate classification.
Comment: This variant is classified as likely benign based on ACMG/AMP sequence variant interpretation guidelines (Richards et al. 2015 PMID: 25741868, with internal and published modifications).